The following is an entry in ClinVar:

ClinVar aggregate classification (germline): Uncertain significance (1 of 4 stars; one submission).

Conditions:
Epileptic encephalopathy. Identifiers: MedGen C0543888, HP:0200134.

Submission:

Labcorp Genetics (formerly Invitae), Labcorp
Classification: Uncertain significance for Epileptic encephalopathy. Last evaluated: 2024-11-05. Review status: criteria provided, single submitter. Criteria: Invitae Variant Classification Sherloc (09022015). Collection method: clinical testing. Allele origin: germline.
Comment: This sequence change replaces glycine, which is neutral and non-polar, with serine, which is neutral and polar, at codon 1679 of the FASN protein (p.Gly1679Ser). This variant is present in population databases (rs770285057, gnomAD 0.004%). This variant has not been reported in the literature in individuals affected with FASN-related conditions. An algorithm developed to predict the effect of missense changes on protein structure and function (PolyPhen-2) suggests that this variant is likely to be disruptive. In summary, the available evidence is currently insufficient to determine the role of this variant in disease. Therefore, it has been classified as a Variant of Uncertain Significance.

NM_004104.5(FASN):c.5035G>A (p.Gly1679Ser)

Gene: FASN (fatty acid synthase; minus strand). Cytogenetic location: 17q25.3.
Variant type: single nucleotide variant.
Coding change: c.5035G>A on transcript NM_004104.5 (MANE Select); coding-DNA position 5035, G replaced by A.
Protein change: p.Gly1679Ser; replaces glycine 1679 with serine.
Molecular consequence: missense variant.
Genome position (GRCh38, 1-based): chr17:82,084,038, C>T on the plus strand (G>A on the coding strand, the complement: FASN is on the minus strand). VCF-style: chr17-82084038-C-T. GRCh37 (hg19) VCF-style: chr17-80041914-C-T.
Other names: short protein forms G1679S.
Identifiers: ClinVar variation 3624040 (VCV003624040.2).